The following is an entry in ClinVar:

NM_005219.5(DIAPH1):c.3149-2A>G

Gene: DIAPH1 (diaphanous related formin 1; minus strand). Cytogenetic location: 5q31.3.
Variant type: single nucleotide variant.
Coding change: c.3149-2A>G on transcript NM_005219.5 (MANE Select); the canonical splice acceptor site of the intron before coding-DNA position 3149, A replaced by G.
Molecular consequence: splice acceptor variant.
Genome position (GRCh38, 1-based): chr5:141,527,699, T>C on the plus strand (A>G on the coding strand, the complement: DIAPH1 is on the minus strand). VCF-style: chr5-141527699-T-C. GRCh37 (hg19) VCF-style: chr5-140907266-T-C.
Other names: c.3122-2A>G (NM_001079812.3); c.3149-2A>G (NM_001314007.2).
Identifiers: ClinVar variation 4791622 (VCV004791622.1).

ClinVar aggregate classification (germline): Likely pathogenic (1 of 4 stars; one submission).

Conditions:
Progressive microcephaly-seizures-cortical blindness-developmental delay syndrome. Also called: Seizures, cortical blindness, and microcephaly syndrome. Identifiers: Orphanet 477814, MedGen C5567650, MONDO:0014714, OMIM 616632.
Autosomal dominant nonsyndromic hearing loss 1. Also called: KONIGSMARK SYNDROME; DEAFNESS, AUTOSOMAL DOMINANT 1, WITH OR WITHOUT THROMBOCYTOPENIA. Identifiers: Orphanet 90635, MedGen C1852282, MONDO:0007424, OMIM 124900.

Submission:

Labcorp Genetics (formerly Invitae), Labcorp
Classification: Likely pathogenic for Progressive microcephaly-seizures-cortical blindness-developmental delay syndrome; Autosomal dominant nonsyndromic hearing loss 1. Last evaluated: 2025-10-13. Review status: criteria provided, single submitter. Criteria: Invitae Variant Classification Sherloc (09022015). Collection method: clinical testing. Allele origin: germline.
Comment: This sequence change affects an acceptor splice site in intron 23 of the DIAPH1 gene. It is expected to disrupt RNA splicing. Variants that disrupt the donor or acceptor splice site typically lead to a loss of protein function (PMID: 16199547), and loss-of-function variants in DIAPH1 are known to be pathogenic (PMID: 24781755, 26463574). This variant is not present in population databases (gnomAD no frequency). This variant has not been reported in the literature in individuals affected with DIAPH1-related conditions. Algorithms developed to predict the effect of sequence changes on RNA splicing suggest that this variant may disrupt the consensus splice site. In summary, the currently available evidence indicates that the variant is pathogenic, but additional data are needed to prove that conclusively. Therefore, this variant has been classified as Likely Pathogenic.

Literature cited by the submitters: PubMed 16199547; PubMed 24781755; PubMed 26463574.